The following is an entry in ClinVar:

NM_001165963.4(SCN1A):c.4105T>C (p.Phe1369Leu)

Genes: SCN1A (sodium voltage-gated channel alpha subunit 1; minus strand), LOC102724058 (uncharacterized LOC102724058; plus strand). Cytogenetic location: 2q24.3.
Variant type: single nucleotide variant.
Coding change: c.4105T>C on transcript NM_001165963.4 (MANE Select); coding-DNA position 4105, T replaced by C.
Protein change: p.Phe1369Leu; replaces phenylalanine 1369 with leucine.
Molecular consequence: missense variant. On other transcripts: non-coding transcript variant (1).
Genome position (GRCh38, 1-based): chr2:166,002,651, A>G on the plus strand (T>C on the coding strand, the complement: SCN1A is on the minus strand). VCF-style: chr2-166002651-A-G. GRCh37 (hg19) VCF-style: chr2-166859161-A-G.
Other names: c.4021T>C, p.Phe1341Leu (NM_001165964.3, NM_001353957.2, NM_001353958.2); c.4105T>C, p.Phe1369Leu (NM_001202435.3, NM_001353948.2); c.4072T>C, p.Phe1358Leu (NM_001353949.2, NM_001353950.2, NM_001353951.2 and 2 more transcripts); c.4069T>C, p.Phe1357Leu (NM_001353954.2, NM_001353955.2); c.4018T>C, p.Phe1340Leu (NM_001353960.2); c.1663T>C, p.Phe555Leu (NM_001353961.2); short protein forms F1340L, F1341L, F1357L, F1358L, F1369L, F555L.
Identifiers: ClinVar variation 3776066 (VCV003776066.1).

ClinVar aggregate classification (germline): Uncertain significance (1 of 4 stars; one submission).

Conditions:
Developmental and epileptic encephalopathy 6B. Also called: Developmental and epileptic encephalopathy 6B, non-Dravet. Identifiers: MedGen C5543353, MONDO:0030268, OMIM 619317.

Submission:

3billion
Classification: Uncertain significance for Developmental and epileptic encephalopathy 6B. Last evaluated: 2023-06-12. Review status: criteria provided, single submitter. Criteria: ACMG Guidelines, 2015. Collection method: clinical testing. Allele origin: germline. Affected: yes.
Comment: The variant is not observed in the gnomAD v2.1.1 dataset. Predicted Consequence/Location: Missense variant In silico tool predictions suggest damaging effect of the variant on gene or gene product (REVEL: 0.94; 3Cnet: 0.96). Therefore, this variant is classified as VUS according to the recommendation of ACMG/AMP guideline.